The following is an entry in ClinVar:

ClinVar aggregate classification (germline): Conflicting classifications of pathogenicity. Review status: criteria provided, conflicting classifications (1 of 4 stars). 2 submissions from 2 submitters: Uncertain significance (1); Likely benign (1). Last evaluated 2025-05-22.

Conditions:
Inborn genetic diseases. Identifiers: MedGen C0950123, MeSH D030342.

Allele frequency attached by ClinVar (database versions not stated): ExAC 0.00001; gnomAD 0.00001; TOPMed 0.00002; gnomAD exomes 0.00003; ESP Exome Variant Server 0.00008.
gnomAD v4.1: 45 of 1,612,546 alleles (0.0028%); highest among the groups gnomAD compares: Admixed American, 0.01%; no homozygotes.

Submissions (2):

Labcorp Genetics (formerly Invitae), Labcorp
Classification: Uncertain significance. Last evaluated: 2025-05-22. Review status: criteria provided, single submitter. Criteria: Invitae Variant Classification Sherloc (09022015). Collection method: clinical testing. Allele origin: germline.
Comment: This sequence change replaces glutamic acid, which is acidic and polar, with lysine, which is basic and polar, at codon 582 of the NEFH protein (p.Glu582Lys). This variant is present in population databases (rs148074196, gnomAD 0.02%). This variant has not been reported in the literature in individuals affected with NEFH-related conditions. ClinVar contains an entry for this variant (Variation ID: 1470506). Invitae Evidence Modeling of protein sequence and biophysical properties (such as structural, functional, and spatial information, amino acid conservation, physicochemical variation, residue mobility, and thermodynamic stability) indicates that this missense variant is not expected to disrupt NEFH protein function with a negative predictive value of 95%. In summary, the available evidence is currently insufficient to determine the role of this variant in disease. Therefore, it has been classified as a Variant of Uncertain Significance.

Ambry Genetics
Classification: Likely benign for Inborn genetic diseases. Last evaluated: 2025-04-13. Review status: criteria provided, single submitter. Criteria: Ambry Variant Classification Scheme 2023. Collection method: clinical testing. Allele origin: germline.

NM_021076.4(NEFH):c.1744G>A (p.Glu582Lys)

Gene: NEFH (neurofilament heavy chain; plus strand). Cytogenetic location: 22q12.2.
Variant type: single nucleotide variant.
Coding change: c.1744G>A on transcript NM_021076.4 (MANE Select); coding-DNA position 1744, G replaced by A.
Protein change: p.Glu582Lys; replaces glutamic acid 582 with lysine.
Molecular consequence: missense variant.
Genome position (GRCh38, 1-based): chr22:29,489,384, G>A. VCF-style: chr22-29489384-G-A. GRCh37 (hg19) VCF-style: chr22-29885373-G-A.
Other names: c.1744G>A (NM_021076.3); short protein forms E582K.
Identifiers: ClinVar variation 1470506 (VCV001470506.8), dbSNP rs148074196, ClinGen allele CA10174272.